The following is an entry in ClinVar:

NM_002474.3(MYH11):c.3552T>G (p.Asp1184Glu)

Gene: MYH11 (myosin heavy chain 11; minus strand). Cytogenetic location: 16p13.11.
Variant type: single nucleotide variant.
Coding change: c.3552T>G on transcript NM_002474.3 (MANE Select); coding-DNA position 3552, T replaced by G.
Protein change: p.Asp1184Glu; replaces aspartic acid 1184 with glutamic acid.
Molecular consequence: missense variant.
Genome position (GRCh38, 1-based): chr16:15,732,663, A>C on the plus strand (T>G on the coding strand, the complement: MYH11 is on the minus strand). VCF-style: chr16-15732663-A-C. GRCh37 (hg19) VCF-style: chr16-15826520-A-C.
Other names: c.3573T>G, p.Asp1191Glu (NM_001040113.2, NM_001040114.2); c.3552T>G, p.Asp1184Glu (NM_022844.3); short protein forms D1184E, D1191E.
Identifiers: ClinVar variation 1380582 (VCV001380582.11), dbSNP rs2041002895, ClinGen allele CA394861180.

ClinVar aggregate classification (germline): Uncertain significance. Review status: criteria provided, multiple submitters, no conflicts (2 of 4 stars). 3 submissions from 3 submitters: Uncertain significance (3). Last evaluated 2025-08-22.

Conditions:
Familial thoracic aortic aneurysm and aortic dissection (TAAD). Also called: Thoracic aortic aneurysms and dissections. Identifiers: Orphanet 91387, MedGen C4707243, MONDO:0019625.
Aortic aneurysm, familial thoracic 4 (AAT4). Also called: AORTIC ANEURYSM/AORTIC DISSECTION AND PATENT DUCTUS ARTERIOSUS. Identifiers: MedGen C1851504, MONDO:0007568, OMIM 132900.

Allele frequency attached by ClinVar (database versions not stated): TOPMed below 0.00001.
gnomAD v4.1: 1 of 1,614,208 alleles (0.000062%); highest among the groups gnomAD compares: Non-Finnish European, 0.000085%; no homozygotes.

Submissions (3):

Color Diagnostics, LLC DBA Color Health
Classification: Uncertain significance for Familial thoracic aortic aneurysm and aortic dissection. Last evaluated: 2025-08-22. Review status: criteria provided, single submitter. Criteria: ACMG Guidelines, 2015. Collection method: clinical testing. Allele origin: germline.
Comment: This missense variant replaces aspartic acid with glutamic acid at codon 1191 of the MYH11 protein. Computational prediction suggests that this variant may not impact protein structure and function. To our knowledge, functional studies have not been reported for this variant. This variant has not been reported in individuals affected with MYH11-related disorders in the literature. This variant has not been identified in the general population by the Genome Aggregation Database (gnomAD). The available evidence is insufficient to determine the role of this variant in disease conclusively. Therefore, this variant is classified as a Variant of Uncertain Significance.

Ambry Genetics
Classification: Uncertain significance for Familial thoracic aortic aneurysm and aortic dissection. Last evaluated: 2025-01-31. Review status: criteria provided, single submitter. Criteria: Ambry Variant Classification Scheme 2023. Collection method: clinical testing. Allele origin: germline.
Comment: The p.D1184E variant (also known as c.3552T>G), located in coding exon 26 of the MYH11 gene, results from a T to G substitution at nucleotide position 3552. The aspartic acid at codon 1184 is replaced by glutamic acid, an amino acid with highly similar properties, and is located in the coiled coil domain. This amino acid position is not well conserved in available vertebrate species, and glutamic acid is the reference amino acid in other vertebrate species. In addition, this alteration is predicted to be tolerated by in silico analysis. Since supporting evidence is limited at this time, the clinical significance of this alteration remains unclear.

Labcorp Genetics (formerly Invitae), Labcorp
Classification: Uncertain significance for Aortic aneurysm, familial thoracic 4. Last evaluated: 2024-12-29. Review status: criteria provided, single submitter. Criteria: Invitae Variant Classification Sherloc (09022015). Collection method: clinical testing. Allele origin: germline.
Comment: This sequence change replaces aspartic acid, which is acidic and polar, with glutamic acid, which is acidic and polar, at codon 1191 of the MYH11 protein (p.Asp1191Glu). This variant is not present in population databases (gnomAD no frequency). This variant has not been reported in the literature in individuals affected with MYH11-related conditions. ClinVar contains an entry for this variant (Variation ID: 1380582). Invitae Evidence Modeling of protein sequence and biophysical properties (such as structural, functional, and spatial information, amino acid conservation, physicochemical variation, residue mobility, and thermodynamic stability) indicates that this missense variant is not expected to disrupt MYH11 protein function with a negative predictive value of 95%. In summary, the available evidence is currently insufficient to determine the role of this variant in disease. Therefore, it has been classified as a Variant of Uncertain Significance.